The following is an entry in ClinVar:

ClinVar aggregate classification (germline): Likely benign. Review status: criteria provided, multiple submitters, no conflicts (2 of 4 stars). 3 submissions from 3 submitters: Likely benign (3). Last evaluated 2025-11-04.

Conditions:
IMPG2-related disorder. Also called: IMPG2-related condition.

Allele frequency attached by ClinVar (database versions not stated): gnomAD 0.00003; TOPMed 0.00005; ExAC 0.00006; gnomAD exomes 0.00007.
gnomAD v4.1: 106 of 1,613,736 alleles (0.0066%); highest among the groups gnomAD compares: East Asian, 0.011%; no homozygotes.

Submissions (3):

Labcorp Genetics (formerly Invitae), Labcorp
Classification: Likely benign. Last evaluated: 2025-11-04. Review status: criteria provided, single submitter. Criteria: Invitae Variant Classification Sherloc (09022015). Collection method: clinical testing. Allele origin: germline.

PreventionGenetics, part of Exact Sciences
Classification: Likely benign for IMPG2-related condition. Last evaluated: 2025-09-05. Review status: criteria provided, single submitter. Criteria: ACMG Guidelines, 2015. Collection method: clinical testing. Allele origin: germline.
Comment: This variant is classified as likely benign based on ACMG/AMP sequence variant interpretation guidelines (Richards et al. 2015 PMID: 25741868, with internal and published modifications).

Blueprint Genetics
Classification: Likely benign. Last evaluated: 2022-07-15. Review status: criteria provided, single submitter. Criteria: ACMG Guidelines, 2015. Collection method: clinical testing. Allele origin: germline.

NM_016247.4(IMPG2):c.2922C>T (p.Asn974=)

Gene: IMPG2 (interphotoreceptor matrix proteoglycan 2; minus strand). Cytogenetic location: 3q12.3.
Variant type: single nucleotide variant.
Coding change: c.2922C>T on transcript NM_016247.4 (MANE Select); coding-DNA position 2922, C replaced by T.
Protein change: p.Asn974=; no amino-acid change (asparagine 974 retained).
Molecular consequence: synonymous variant.
Genome position (GRCh38, 1-based): chr3:101,242,788, G>A on the plus strand (C>T on the coding strand, the complement: IMPG2 is on the minus strand). VCF-style: chr3-101242788-G-A. GRCh37 (hg19) VCF-style: chr3-100961632-G-A.
Other names: c.2922C>T (NM_016247.3).
Identifiers: ClinVar variation 1161181 (VCV001161181.11), dbSNP rs758769224, ClinGen allele CA2518879.